The following is an entry in ClinVar:

NM_005876.5(SPEG):c.9178_9179delinsAT (p.Asp3060Ile)

Genes: ASIC4-AS1 (ASIC4 antisense RNA 1; minus strand), SPEG (striated muscle enriched protein kinase; plus strand). Cytogenetic location: 2q35.
Variant type: Indel.
Coding change: c.9178_9179delinsAT on transcript NM_005876.5 (MANE Select); coding-DNA positions 9178 to 9179, GA replaced by AT.
Protein change: p.Asp3060Ile; replaces aspartic acid 3060 with isoleucine.
Molecular consequence: missense variant.
Genome position (GRCh38, 1-based): chr2:219,490,749-219,490,750, GA replaced by AT. VCF-style: chr2-219490749-GA-AT. GRCh37 (hg19) VCF-style: chr2-220355471-GA-AT.
Other names: short protein forms D3060I.
Identifiers: ClinVar variation 1492751 (VCV001492751.5), dbSNP rs2125599228, ClinGen allele CA2573135403.

ClinVar aggregate classification (germline): Uncertain significance (1 of 4 stars; one submission).

Submission:

Labcorp Genetics (formerly Invitae), Labcorp
Classification: Uncertain significance. Last evaluated: 2022-08-16. Review status: criteria provided, single submitter. Criteria: Invitae Variant Classification Sherloc (09022015). Collection method: clinical testing. Allele origin: germline.
Comment: In summary, the available evidence is currently insufficient to determine the role of this variant in disease. Therefore, it has been classified as a Variant of Uncertain Significance. Algorithms developed to predict the effect of missense changes on protein structure and function are either unavailable or do not agree on the potential impact of this missense change (SIFT: "Not Available"; PolyPhen-2: "Possibly Damaging"; Align-GVGD: "Not Available"). ClinVar contains an entry for this variant (Variation ID: 1492751). This variant has not been reported in the literature in individuals affected with SPEG-related conditions. Information on the frequency of this variant in the gnomAD database is not available, as this variant may be reported differently in the database. This sequence change replaces aspartic acid with isoleucine at codon 3060 of the SPEG protein (p.Asp3060Ile). The aspartic acid residue is highly conserved and there is a large physicochemical difference between aspartic acid and isoleucine.